The following is an entry in ClinVar:

NM_177438.3(DICER1):c.3859T>A (p.Ser1287Thr)

Gene: DICER1 (dicer 1, ribonuclease III; minus strand). Cytogenetic location: 14q32.13.
Variant type: single nucleotide variant.
Coding change: c.3859T>A on transcript NM_177438.3 (MANE Select); coding-DNA position 3859, T replaced by A.
Protein change: p.Ser1287Thr; replaces serine 1287 with threonine.
Molecular consequence: missense variant. On other transcripts: non-coding transcript variant (6).
Genome position (GRCh38, 1-based): chr14:95,103,537, A>T on the plus strand (T>A on the coding strand, the complement: DICER1 is on the minus strand). VCF-style: chr14-95103537-A-T. GRCh37 (hg19) VCF-style: chr14-95569874-A-T.
Other names: c.3859T>A, p.Ser1287Thr (NM_001195573.1, NM_001271282.3, NM_001291628.2 and 12 more transcripts); c.3577T>A, p.Ser1193Thr (NM_001395686.1); c.3454T>A, p.Ser1152Thr (NM_001395687.1, NM_001395688.1, NM_001395689.1 and 2 more transcripts); c.3292T>A, p.Ser1098Thr (NM_001395691.1); c.2176T>A, p.Ser726Thr (NM_001395697.1); short protein forms S1152T, S1098T, S1193T, S1287T, S726T.
Identifiers: ClinVar variation 4843075 (VCV004843075.1).

ClinVar aggregate classification (germline): Uncertain significance (1 of 4 stars; one submission).

Conditions:
Hereditary cancer-predisposing syndrome. Also called: Neoplastic Syndromes, Hereditary; Tumor predisposition; Hereditary Cancer Syndrome; Hereditary neoplastic syndrome. Identifiers: Orphanet 140162, MedGen C0027672, MeSH D009386, MONDO:0015356.

Submission:

Ambry Genetics
Classification: Uncertain significance for Hereditary cancer-predisposing syndrome. Last evaluated: 2025-12-26. Review status: criteria provided, single submitter. Criteria: Ambry Variant Classification Scheme 2023. Collection method: clinical testing. Allele origin: germline.
Comment: The p.S1287T variant (also known as c.3859T>A), located in coding exon 20 of the DICER1 gene, results from a T to A substitution at nucleotide position 3859. The serine at codon 1287 is replaced by threonine, an amino acid with similar properties. This amino acid position is conserved. In addition, this alteration is predicted to be tolerated by in silico analysis. Based on the available evidence, the clinical significance of this variant remains unclear.